The following is an entry in ClinVar:

ClinVar aggregate classification (germline): Likely benign. Review status: criteria provided, multiple submitters, no conflicts (2 of 4 stars). 2 submissions from 2 submitters: Likely benign (2). Last evaluated 2026-01-21.

Conditions:
Bardet-Biedl syndrome (BBS). Identifiers: Orphanet 110, MedGen C0752166, MONDO:0015229.
BBS4-related disorder. Also called: BBS4-related condition.

Allele frequency attached by ClinVar (database versions not stated): TOPMed below 0.00001; gnomAD exomes 0.00001.
gnomAD v4.1: 9 of 1,602,036 alleles (0.00056%); highest among the groups gnomAD compares: Non-Finnish European, 0.00077%; no homozygotes.

Submissions (2):

PreventionGenetics, part of Exact Sciences
Classification: Likely benign for BBS4-related condition. Last evaluated: 2026-01-21. Review status: criteria provided, single submitter. Criteria: ACMG Guidelines, 2015. Collection method: clinical testing. Allele origin: germline.
Comment: This variant is classified as likely benign based on ACMG/AMP sequence variant interpretation guidelines (Richards et al. 2015 PMID: 25741868, with internal and published modifications).

Labcorp Genetics (formerly Invitae), Labcorp
Classification: Likely benign for Bardet-Biedl syndrome. Last evaluated: 2023-02-11. Review status: criteria provided, single submitter. Criteria: Invitae Variant Classification Sherloc (09022015). Collection method: clinical testing. Allele origin: germline.

NM_033028.5(BBS4):c.1557A>G (p.Lys519=)

Gene: BBS4 (Bardet-Biedl syndrome 4; plus strand). Cytogenetic location: 15q24.1.
Variant type: single nucleotide variant.
Coding change: c.1557A>G on transcript NM_033028.5 (MANE Select); coding-DNA position 1557, A replaced by G.
Protein change: p.Lys519=; no amino-acid change (lysine 519 retained).
Molecular consequence: synonymous variant. On other transcripts: non-coding transcript variant (2).
Genome position (GRCh38, 1-based): chr15:72,737,584, A>G. VCF-style: chr15-72737584-A-G. GRCh37 (hg19) VCF-style: chr15-73029925-A-G.
Other names: c.1041A>G, p.Lys347= (NM_001252678.2); c.1488A>G, p.Lys496= (NM_001320665.2); c.1557A>G (NM_033028.4).
Identifiers: ClinVar variation 2917229 (VCV002917229.4), dbSNP rs967361946, ClinGen allele CA272646726.